The following is an entry in ClinVar:

ClinVar aggregate classification (germline): Conflicting classifications of pathogenicity. Review status: criteria provided, conflicting classifications (1 of 4 stars). 2 submissions from 2 submitters: Likely pathogenic (1); Uncertain significance (1). Last evaluated 2026-04-30.

Conditions:
Hereditary cancer-predisposing syndrome. Also called: Neoplastic Syndromes, Hereditary; Tumor predisposition; Hereditary Cancer Syndrome; Hereditary neoplastic syndrome. Identifiers: Orphanet 140162, MedGen C0027672, MeSH D009386, MONDO:0015356.
Pheochromocytoma. Also called: MAX-Related Hereditary Paraganglioma-Pheochromocytoma Syndrome. Identifiers: Orphanet 29072, MedGen C0031511, MONDO:0008233, OMIM 171300, HP:0002666.
Pheochromocytoma/paraganglioma syndrome 4. Also called: CAROTID BODY TUMORS AND MULTIPLE EXTRAADRENAL PHEOCHROMOCYTOMAS; PARAGANGLIOMA, FAMILIAL MALIGNANT; PARAGANGLIOMAS, HEREDITARY EXTRAADRENAL; PHEOCHROMOCYTOMA, FAMILIAL EXTRAADRENAL; Paragangliomas 4; SDHB-Related Hereditary Paraganglioma-Pheochromocytoma Syndrome (Paragangliomas 4). Identifiers: Orphanet 29072, MedGen C1861848, MONDO:0007273, OMIM 115310.
Gastrointestinal stromal tumor. Also called: Gastrointestinal stromal tumor, somatic; Gastrointestinal stroma tumor. Identifiers: Orphanet 44890, MedGen C0238198, MeSH D046152, MONDO:0011719, OMIM 606764, HP:0100723.

Submissions (2):

Ambry Genetics
Classification: Likely pathogenic for Hereditary cancer-predisposing syndrome. Last evaluated: 2026-04-30. Review status: criteria provided, single submitter. Criteria: Ambry Variant Classification Scheme 2023. Collection method: clinical testing. Allele origin: germline.
Comment: The p.Y206C variant (also known as c.617A>G), located in coding exon 6 of the SDHB gene, results from an A to G substitution at nucleotide position 617. The tyrosine at codon 206 is replaced by cysteine, an amino acid with highly dissimilar properties. This variant was reported in individual(s) with features consistent with SDHB-related hereditary pheochromocytoma-paraganglioma (Burnichon N et al. J Clin Endocrinol Metab, 2009 Aug;94:2817-27; Bancel LP et al. J Clin Endocrinol Metab, 2023 Aug;108:2343-2352; external communication). This amino acid position is highly conserved in available vertebrate species. In addition, this alteration is predicted to be deleterious by in silico analysis. This variant is considered to be rare based on population cohorts in the Genome Aggregation Database (gnomAD). Based on the majority of available evidence to date, this variant is likely to be pathogenic.

Labcorp Genetics (formerly Invitae), Labcorp
Classification: Uncertain significance for Gastrointestinal stromal tumor; Pheochromocytoma/paraganglioma syndrome 4; Pheochromocytoma. Last evaluated: 2022-05-20. Review status: criteria provided, single submitter. Criteria: Invitae Variant Classification Sherloc (09022015). Collection method: clinical testing. Allele origin: germline.
Comment: This sequence change replaces tyrosine, which is neutral and polar, with cysteine, which is neutral and slightly polar, at codon 206 of the SDHB protein (p.Tyr206Cys). This variant is not present in population databases (gnomAD no frequency). This missense change has been observed in individual(s) with paraganglioma (PMID: 19454582). Advanced modeling of protein sequence and biophysical properties (such as structural, functional, and spatial information, amino acid conservation, physicochemical variation, residue mobility, and thermodynamic stability) performed at Invitae indicates that this missense variant is expected to disrupt SDHB protein function. In summary, the available evidence is currently insufficient to determine the role of this variant in disease. Therefore, it has been classified as a Variant of Uncertain Significance.

Literature cited by the submitters: PubMed 19454582 (cited by Ambry Genetics and Labcorp Genetics (formerly Invitae), Labcorp); PubMed 36848172 (cited by Ambry Genetics).

NM_003000.3(SDHB):c.617A>G (p.Tyr206Cys)

Gene: SDHB (succinate dehydrogenase complex iron sulfur subunit B; minus strand). Cytogenetic location: 1p36.13.
Variant type: single nucleotide variant.
Coding change: c.617A>G on transcript NM_003000.3 (MANE Select); coding-DNA position 617, A replaced by G.
Protein change: p.Tyr206Cys; replaces tyrosine 206 with cysteine.
Molecular consequence: missense variant.
Genome position (GRCh38, 1-based): chr1:17,023,998, T>C on the plus strand (A>G on the coding strand, the complement: SDHB is on the minus strand). VCF-style: chr1-17023998-T-C. GRCh37 (hg19) VCF-style: chr1-17350493-T-C.
Other names: c.563A>G, p.Tyr188Cys (NM_001407361.1); short protein forms Y206C, Y188C.
Identifiers: ClinVar variation 1752037 (VCV001752037.8), dbSNP rs2525008750, ClinGen allele CA338270972.
Genomic context (GRCh38, chr1:17,023,998, plus strand): 5'-TCAATTTCTCTTAAAGCAATTAAGGAGCACCTCACCTGCATAAGAACTGCAGGCCCCAGA[T>C]ATTTGTCTCCGTTCCACCAGTAGCTGGGGCAGCTGGTGCTACAGCAGGCACAGAGAATGC-3'
Protein context (NP_002991.2, residues 196-216): CPSYWWNGDK[Tyr206Cys]LGPAVLMQAY